The following is an entry in ClinVar:

NM_018319.4(TDP1):c.911G>A (p.Arg304Gln)

Gene: TDP1 (tyrosyl-DNA phosphodiesterase 1; plus strand). Cytogenetic location: 14q32.11.
Variant type: single nucleotide variant.
Coding change: c.911G>A on transcript NM_018319.4 (MANE Select); coding-DNA position 911, G replaced by A.
Protein change: p.Arg304Gln; replaces arginine 304 with glutamine.
Molecular consequence: missense variant.
Genome position (GRCh38, 1-based): chr14:89,984,542, G>A. VCF-style: chr14-89984542-G-A. GRCh37 (hg19) VCF-style: chr14-90450886-G-A.
Other names: c.911G>A, p.Arg304Gln (NM_001008744.2, NM_001330205.2); short protein forms R304Q.
Identifiers: ClinVar variation 314831 (VCV000314831.20), dbSNP rs34452707, ClinGen allele CA7303785.
Genomic context (GRCh38, chr14:89,984,542, plus strand): 5'-GCCTGACTGTTAAAGGTTATTTTTTTAATTCCAGAATATGGTTGAGCCCCTTATACCCAC[G>A]AATTGCTGATGGAACCCACAAATCTGGAGAGTCGCCAACACATTTTAAAGCTGATCTCAT-3'
Protein context (NP_060789.2, residues 294-314): QGIWLSPLYP[Arg304Gln]IADGTHKSGE

ClinVar aggregate classification (germline): Benign/Likely benign. Review status: criteria provided, multiple submitters, no conflicts (2 of 4 stars). 10 submissions from 10 submitters: Benign (6); Likely benign (2). 2 of the submissions do not count toward it. Last evaluated 2026-07-15.

Conditions:
TDP1-related disorder. Also called: TDP1-related condition.
Spinocerebellar ataxia, autosomal recessive, with axonal neuropathy 1 (SCAN1). Identifiers: Orphanet 94124, MedGen C4759870, MONDO:0011801, OMIM 607250.

Allele frequency attached by ClinVar (database versions not stated): gnomAD exomes 0.00156; ExAC 0.00198; gnomAD 0.00602 and 0.00640; ESP Exome Variant Server 0.00623; TOPMed 0.00685; 1000 Genomes Project 0.00859; 1000 Genomes Project 30x 0.00999.
gnomAD v4.1: 1,919 of 1,614,010 alleles (0.12%); highest among the groups gnomAD compares: African/African-American, 2.2%; 19 homozygotes.

Submissions (10):

PreventionGenetics, part of Exact Sciences
Classification: Benign for TDP1-related condition. Last evaluated: 2026-07-15. Review status: criteria provided, single submitter. Criteria: ACMG Guidelines, 2015. Collection method: clinical testing. Allele origin: germline.
Comment: This variant is classified as benign based on ACMG/AMP sequence variant interpretation guidelines (Richards et al. 2015 PMID: 25741868, with internal and published modifications).

Genomic Medicine Center of Excellence, King Faisal Specialist Hospital and Research Centre
Classification: Likely benign. Last evaluated: 2025-08-18. Review status: criteria provided, single submitter. Criteria: ACMG Guidelines, 2015. Collection method: clinical testing. Allele origin: germline.

Mayo Clinic Laboratories, Mayo Clinic
Classification: Benign. Last evaluated: 2025-05-12. Review status: criteria provided, single submitter. Criteria: ACMG Guidelines, 2015. Collection method: clinical testing. Allele origin: germline. Observed: 3 variant alleles.
Comment: BS1, BS2, BP4_moderate

GeneDx
Classification: Likely benign. Last evaluated: 2024-09-24. Review status: criteria provided, single submitter. Criteria: GeneDx Variant Classification Process June 2021. Collection method: clinical testing. Allele origin: germline. Affected: yes.
Comment: See Variant Classification Assertion Criteria.

Labcorp Genetics (formerly Invitae), Labcorp
Classification: Benign. Last evaluated: 2019-12-31. Review status: criteria provided, single submitter. Criteria: Invitae Variant Classification Sherloc (09022015). Collection method: clinical testing. Allele origin: germline.

Athena Diagnostics
Classification: Benign. Last evaluated: 2018-12-21. Review status: criteria provided, single submitter. Criteria: Athena Diagnostics Criteria. Collection method: clinical testing. Allele origin: germline.

Illumina Laboratory Services, Illumina
Classification: Benign for Spinocerebellar ataxia, autosomal recessive, with axonal neuropathy 1. Last evaluated: 2018-01-13. Review status: criteria provided, single submitter. Criteria: ICSL Variant Classification Criteria 13 December 2019. Collection method: clinical testing. Allele origin: germline.
Comment: This variant was observed in the ICSL laboratory as part of a predisposition screen in an ostensibly healthy population. It had not been previously curated by ICSL or reported in the Human Gene Mutation Database (HGMD: prior to June 1st, 2018), and was therefore a candidate for classification through an automated scoring system. Utilizing variant allele frequency, disease prevalence and penetrance estimates, and inheritance mode, an automated score was calculated to assess if this variant is too frequent to cause the disease. Based on the score and internal cut-off values, a variant classified as benign is not then subjected to further curation. The score for this variant resulted in a classification of benign for this disease.

Breakthrough Genomics
Classification: Benign. Review status: criteria provided, single submitter. Criteria: ACMG Guidelines, 2015. Collection method: not provided. Allele origin: germline. Inheritance: Autosomal recessive inheritance. Affected: yes.

Clinical Genetics DNA and cytogenetics Diagnostics Lab, Erasmus MC, Erasmus Medical Center
Classification: Benign. Review status: no assertion criteria provided. Collection method: clinical testing. Allele origin: germline. Affected: yes. Study: VKGL Data-share Consensus. Not counted in ClinVar's aggregate classification.

Clinical Genetics, Academic Medical Center
Classification: Benign. Review status: no assertion criteria provided. Collection method: clinical testing. Allele origin: germline. Affected: yes. Study: VKGL Data-share Consensus. Not counted in ClinVar's aggregate classification.